The following is an entry in ClinVar:

NM_003052.5(SLC34A1):c.649T>C (p.Phe217Leu)

Gene: SLC34A1 (solute carrier family 34 member 1; plus strand). Cytogenetic location: 5q35.3.
Variant type: single nucleotide variant.
Coding change: c.649T>C on transcript NM_003052.5 (MANE Select); coding-DNA position 649, T replaced by C.
Protein change: p.Phe217Leu; replaces phenylalanine 217 with leucine.
Molecular consequence: missense variant.
Genome position (GRCh38, 1-based): chr5:177,387,998, T>C. VCF-style: chr5-177387998-T-C. GRCh37 (hg19) VCF-style: chr5-176814999-T-C.
Other names: c.649T>C, p.Phe217Leu (NM_001167579.2); short protein forms F217L.
Identifiers: ClinVar variation 2628632 (VCV002628632.1), dbSNP rs757273181, ClinGen allele CA362365146.

ClinVar aggregate classification (germline): Uncertain significance (1 of 4 stars; one submission).

Conditions:
SLC34A1-related disorder. Also called: SLC34A1-related condition; SLC34A1-related disorders.

gnomAD v4.1: 1 of 1,612,814 alleles (0.000062%); highest among the groups gnomAD compares: Middle Eastern, 0.017%; no homozygotes.

Submission:

PreventionGenetics, part of Exact Sciences
Classification: Uncertain significance for SLC34A1-related condition. Last evaluated: 2023-05-30. Review status: criteria provided, single submitter. Criteria: ACMG Guidelines, 2015. Collection method: clinical testing. Allele origin: germline.
Comment: The SLC34A1 c.649T>C variant is predicted to result in the amino acid substitution p.Phe217Leu. To our knowledge, this variant has not been reported in the literature or in a large population database, indicating this variant is rare. At this time, the clinical significance of this variant is uncertain due to the absence of conclusive functional and genetic evidence.